The following is an entry in ClinVar:

ClinVar aggregate classification (germline): Likely benign (1 of 4 stars; one submission).

gnomAD v4.1: 323 of 1,524,086 alleles (0.021%); highest among the groups gnomAD compares: African/African-American, 0.37%; 2 homozygotes.

Submission:

CeGaT Center for Human Genetics Tuebingen
Classification: Likely benign. Last evaluated: 2025-11-01. Review status: criteria provided, single submitter. Criteria: CeGaT Center For Human Genetics Tuebingen Variant Classification Criteria Version 2. Collection method: clinical testing. Allele origin: germline. Affected: yes. Observed: 1 variant allele.
Comment: BICRA: BP4, BP7

NM_001394372.1(BICRA):c.2916C>T (p.Leu972=)

Gene: BICRA (BRD4 interacting chromatin remodeling complex associated protein; plus strand). Cytogenetic location: 19q13.33.
Variant type: single nucleotide variant.
Coding change: c.2916C>T on transcript NM_001394372.1 (MANE Select); coding-DNA position 2916, C replaced by T.
Protein change: p.Leu972=; no amino-acid change (leucine 972 retained).
Molecular consequence: synonymous variant.
Genome position (GRCh38, 1-based): chr19:47,694,920, C>T. VCF-style: chr19-47694920-C-T. GRCh37 (hg19) VCF-style: chr19-48198177-C-T.
Other names: c.2916C>T, p.Leu972= (NM_015711.3).
Identifiers: ClinVar variation 4534025 (VCV004534025.6).
Genomic context (GRCh38, chr19:47,694,920, plus strand): 5'-CCTATGTTCCCCACCCCTCATCCACCTGTCCCCTCCTCAGGTGCCGTCCGGAATCATCCT[C>T]CAGAACAAGGCTGGGGGGGCCCCTGCCGCCCCGCAGACCTCCACCAGCCTGGGGCCCCTC-3'
Protein context (NP_001381301.1, residues 962-982): RFHQVPSGII[Leu972=]QNKAGGAPAA